The following is an entry in ClinVar:

ClinVar aggregate classification (germline): Conflicting classifications of pathogenicity. Review status: criteria provided, conflicting classifications (1 of 4 stars). 3 submissions from 3 submitters: Uncertain significance (1); Likely benign (2). Last evaluated 2026-03-24.

Allele frequency attached by ClinVar (database versions not stated): gnomAD 0.00001; TOPMed 0.00002; ExAC 0.00005.
gnomAD v4.1: 48 of 1,614,056 alleles (0.003%); highest among the groups gnomAD compares: South Asian, 0.018%; no homozygotes.

Submissions (3):

Women's Health and Genetics/Laboratory Corporation of America, LabCorp
Classification: Likely benign. Last evaluated: 2026-03-24. Review status: criteria provided, single submitter. Criteria: LabCorp Variant Classification Summary - May 2015. Collection method: clinical testing. Allele origin: germline.
Comment: Variant summary: KAT6A c.5629C>T (p.Arg1877Cys) results in a non-conservative amino acid change in the encoded protein sequence. Algorithms developed to predict the effect of missense changes on protein structure and function are either unavailable or do not agree on the potential impact of this missense change. The variant allele was found at a frequency of 3.6e-05 in 250756 control chromosomes. The available data on variant occurrences in the general population are insufficient to allow any conclusion about variant significance. To our knowledge, no occurrence of c.5629C>T in individuals affected with KAT6A-related conditions and no experimental evidence demonstrating its impact on protein function have been reported. ClinVar contains an entry for this variant (Variation ID: 1917097). Based on the evidence outlined above, the variant was classified as likely benign.

Labcorp Genetics (formerly Invitae), Labcorp
Classification: Likely benign. Last evaluated: 2025-05-22. Review status: criteria provided, single submitter. Criteria: Invitae Variant Classification Sherloc (09022015). Collection method: clinical testing. Allele origin: germline.

GeneDx
Classification: Uncertain significance. Last evaluated: 2023-02-03. Review status: criteria provided, single submitter. Criteria: GeneDx Variant Classification Process June 2021. Collection method: clinical testing. Allele origin: germline. Affected: yes.
Comment: In silico analysis supports that this missense variant has a deleterious effect on protein structure/function; Has not been previously published as a pathogenic or benign germline variant to our knowledge; This variant is associated with the following publications: (PMID: Kurkowiak2017[Other])

NM_006766.5(KAT6A):c.5629C>T (p.Arg1877Cys)

Gene: KAT6A (lysine acetyltransferase 6A; minus strand). Cytogenetic location: 8p11.21.
Variant type: single nucleotide variant.
Coding change: c.5629C>T on transcript NM_006766.5 (MANE Select); coding-DNA position 5629, C replaced by T.
Protein change: p.Arg1877Cys; replaces arginine 1877 with cysteine.
Molecular consequence: missense variant.
Genome position (GRCh38, 1-based): chr8:41,932,591, G>A on the plus strand (C>T on the coding strand, the complement: KAT6A is on the minus strand). VCF-style: chr8-41932591-G-A. GRCh37 (hg19) VCF-style: chr8-41790109-G-A.
Other names: c.5629C>T (NM_006766.3); short protein forms R1877C.
Identifiers: ClinVar variation 1917097 (VCV001917097.7), dbSNP rs772414652, ClinGen allele CA4729274.
Genomic context (GRCh38, chr8:41,932,591, plus strand): 5'-TGCCACGCTGAACAGCCAGTGCGCGAGGGCCAGCCTGCATGGCAACTGCCGATGGGCTAC[G>A]GCCATACAGCTGCTGCTGGTGAGCAGCCGCAGAGGGCAGTGGCGCAGACTTGGAGCGGAT-3'
Protein context (NP_006757.2, residues 1867-1887): AAAHQQQLYG[Arg1877Cys]SPSAVAMQAG